The following is an entry in ClinVar:

NM_004329.3(BMPR1A):c.1342+4G>A

Gene: BMPR1A (bone morphogenetic protein receptor type 1A; plus strand). Cytogenetic location: 10q23.2.
Variant type: single nucleotide variant.
Coding change: c.1342+4G>A on transcript NM_004329.3 (MANE Select); 4 bases into the intron after coding-DNA position 1342, G replaced by A.
Molecular consequence: intron variant.
Genome position (GRCh38, 1-based): chr10:86,921,699, G>A. VCF-style: chr10-86921699-G-A. GRCh37 (hg19) VCF-style: chr10-88681456-G-A.
Other names: c.1342+4G>A (NM_001406562.1, NM_001406568.1, NM_001406567.1 and 19 more transcripts); c.1258+4G>A (NM_001406584.1, NM_001406588.1, NM_001406587.1 and 2 more transcripts); c.1390+4G>A (NM_001406560.1); c.1417+4G>A (NM_001406559.1); c.1336+4G>A (NM_001406583.1); c.1000+4G>A (NM_001406589.1).
Identifiers: ClinVar variation 2874516 (VCV002874516.4), dbSNP rs2133609002, ClinGen allele CA2588947927.

ClinVar aggregate classification (germline): Likely benign. Review status: criteria provided, multiple submitters, no conflicts (2 of 4 stars). 2 submissions from 2 submitters: Likely benign (2). Last evaluated 2024-08-07.

Conditions:
Juvenile polyposis syndrome (JPS). Identifiers: Orphanet 2929, MedGen C0345893, MONDO:0017380, OMIM 174900.

Allele frequency attached by ClinVar (database versions not stated): gnomAD 0.00001; 1000 Genomes Project 30x 0.00016.
gnomAD v4.1: 1 of 1,614,122 alleles (0.000062%); highest among the groups gnomAD compares: Non-Finnish European, 0.000085%; no homozygotes.

Submissions (2):

Myriad Genetics, Inc.
Classification: Likely benign for Juvenile polyposis syndrome. Last evaluated: 2024-08-07. Review status: criteria provided, single submitter. Criteria: Myriad Autosomal Dominant, Autosomal Recessive and X-Linked Classification Criteria (2023). Collection method: clinical testing. Allele origin: unknown.
Comment: This variant is considered likely benign. This variant is intronic and is not expected to impact mRNA splicing.

Labcorp Genetics (formerly Invitae), Labcorp
Classification: Likely benign for Juvenile polyposis syndrome. Last evaluated: 2023-08-14. Review status: criteria provided, single submitter. Criteria: Invitae Variant Classification Sherloc (09022015). Collection method: clinical testing. Allele origin: germline.